The following is an entry in ClinVar:

NM_007373.4(SHOC2):c.910G>A (p.Ala304Thr)

Gene: SHOC2 (SHOC2 leucine rich repeat scaffold protein; plus strand). Cytogenetic location: 10q25.2.
Variant type: single nucleotide variant.
Coding change: c.910G>A on transcript NM_007373.4 (MANE Select); coding-DNA position 910, G replaced by A.
Protein change: p.Ala304Thr; replaces alanine 304 with threonine.
Molecular consequence: missense variant. On other transcripts: non-coding transcript variant (1).
Genome position (GRCh38, 1-based): chr10:111,000,483, G>A. VCF-style: chr10-111000483-G-A. GRCh37 (hg19) VCF-style: chr10-112760241-G-A.
Other names: c.772G>A, p.Ala258Thr (NM_001269039.3); c.910G>A, p.Ala304Thr (NM_001324336.2, NM_001324337.2); short protein forms A304T, A258T.
Identifiers: ClinVar variation 1765838 (VCV001765838.5), dbSNP rs150902461, ClinGen allele CA5689682.

ClinVar aggregate classification (germline): Uncertain significance. Review status: criteria provided, multiple submitters, no conflicts (2 of 4 stars). 2 submissions from 2 submitters: Uncertain significance (2). Last evaluated 2026-01-31.

Conditions:
Cardiovascular phenotype. Identifiers: MedGen CN230736.
RASopathy. Also called: rasopathies; Noonan spectrum disorder. Identifiers: Orphanet 536391, MedGen C5555857, MONDO:0021060.

Allele frequency attached by ClinVar (database versions not stated): TOPMed below 0.00001; gnomAD 0.00001; gnomAD exomes 0.00001; ExAC 0.00002; ESP Exome Variant Server 0.00008.
gnomAD v4.1: 5 of 1,612,110 alleles (0.00031%); highest among the groups gnomAD compares: African/African-American, 0.0067%; no homozygotes.

Submissions (2):

Labcorp Genetics (formerly Invitae), Labcorp
Classification: Uncertain significance for RASopathy. Last evaluated: 2026-01-31. Review status: criteria provided, single submitter. Criteria: Invitae Variant Classification Sherloc (09022015). Collection method: clinical testing. Allele origin: germline.
Comment: This sequence change replaces alanine, which is neutral and non-polar, with threonine, which is neutral and polar, at codon 304 of the SHOC2 protein (p.Ala304Thr). This variant is present in population databases (rs150902461, gnomAD 0.008%). This variant has not been reported in the literature in individuals affected with SHOC2-related conditions. ClinVar contains an entry for this variant (Variation ID: 1765838). Invitae Evidence Modeling of protein sequence and biophysical properties (such as structural, functional, and spatial information, amino acid conservation, physicochemical variation, residue mobility, and thermodynamic stability) indicates that this missense variant is not expected to disrupt SHOC2 protein function with a negative predictive value of 80%. In summary, the available evidence is currently insufficient to determine the role of this variant in disease. Therefore, it has been classified as a Variant of Uncertain Significance.

Ambry Genetics
Classification: Uncertain significance for Cardiovascular phenotype. Last evaluated: 2022-07-06. Review status: criteria provided, single submitter. Criteria: Ambry Variant Classification Scheme 2023. Collection method: clinical testing. Allele origin: germline.
Comment: The p.A304T variant (also known as c.910G>A), located in coding exon 3 of the SHOC2 gene, results from a G to A substitution at nucleotide position 910. The alanine at codon 304 is replaced by threonine, an amino acid with similar properties. This amino acid position is conserved. In addition, this alteration is predicted to be tolerated by in silico analysis. Since supporting evidence is limited at this time, the clinical significance of this alteration remains unclear.